The following is an entry in ClinVar:

ClinVar aggregate classification (germline): Uncertain significance (1 of 4 stars; one submission).

Allele frequency attached by ClinVar (database versions not stated): ExAC 0.00001.
gnomAD v4.1: 2 of 1,614,210 alleles (0.00012%); highest among the groups gnomAD compares: Non-Finnish European, 0.00017%; no homozygotes.

Submission:

Ambry Genetics
Classification: Uncertain significance. Last evaluated: 2024-01-28. Review status: criteria provided, single submitter. Criteria: Ambry Variant Classification Scheme 2023. Collection method: clinical testing. Allele origin: germline.
Comment: The p.I1547T variant (also known as c.4640T>C), located in coding exon 4 of the ALPK2 gene, results from a T to C substitution at nucleotide position 4640. The isoleucine at codon 1547 is replaced by threonine, an amino acid with similar properties. This amino acid position is conserved. In addition, this alteration is predicted to be tolerated by in silico analysis. Since supporting evidence is limited at this time, the clinical significance of this alteration remains unclear.

NM_052947.4(ALPK2):c.4640T>C (p.Ile1547Thr)

Genes: ALPK2 (alpha kinase 2; minus strand), LOC126862764 (BRD4-independent group 4 enhancer GRCh37_chr18:56202574-56203773; plus strand). Cytogenetic location: 18q21.31.
Variant type: single nucleotide variant.
Coding change: c.4640T>C on transcript NM_052947.4 (MANE Select); coding-DNA position 4640, T replaced by C.
Protein change: p.Ile1547Thr; replaces isoleucine 1547 with threonine.
Molecular consequence: missense variant.
Genome position (GRCh38, 1-based): chr18:58,535,547, A>G on the plus strand (T>C on the coding strand, the complement: ALPK2 is on the minus strand). VCF-style: chr18-58535547-A-G. GRCh37 (hg19) VCF-style: chr18-56202779-A-G.
Other names: short protein forms I1547T.
Identifiers: ClinVar variation 1742109 (VCV001742109.2), dbSNP rs755326092, ClinGen allele CA8976668.